The following is an entry in ClinVar:

NM_003924.4(PHOX2B):c.71C>T (p.Ser24Leu)

Genes: PHOX2B (paired like homeobox 2B; minus strand), PHOX2B-AS1 (PHOX2B antisense RNA 1; plus strand). Cytogenetic location: 4p13.
Variant type: single nucleotide variant.
Coding change: c.71C>T on transcript NM_003924.4 (MANE Select); coding-DNA position 71, C replaced by T.
Protein change: p.Ser24Leu; replaces serine 24 with leucine.
Molecular consequence: missense variant. On other transcripts: non-coding transcript variant (1).
Genome position (GRCh38, 1-based): chr4:41,748,540, G>A on the plus strand (C>T on the coding strand, the complement: PHOX2B is on the minus strand). VCF-style: chr4-41748540-G-A. GRCh37 (hg19) VCF-style: chr4-41750557-G-A.
Other names: short protein forms S24L.
Identifiers: ClinVar variation 5026513 (VCV005026513.2).

ClinVar aggregate classification (germline): Uncertain significance. Review status: criteria provided, multiple submitters, no conflicts (2 of 4 stars). 2 submissions from 2 submitters: Uncertain significance (2). Last evaluated 2026-10-01.

Conditions:
Hereditary cancer-predisposing syndrome. Also called: Neoplastic Syndromes, Hereditary; Tumor predisposition; Hereditary neoplastic syndrome; Hereditary Cancer Syndrome. Identifiers: Orphanet 140162, MedGen C0027672, MeSH D009386, MONDO:0015356.
Central hypoventilation syndrome, congenital, 1, with or without Hirschsprung disease (CCHS1). Also called: CENTRAL HYPOVENTILATION SYNDROME, CONGENITAL, 1; AUTONOMIC CONTROL, CONGENITAL FAILURE OF; ONDINE CURSE, CONGENITAL; Central hypoventilation syndrome, congenital, 1, with or without Hirschsprung; Congenital Central Hypoventilation Syndrome (CCHS). Identifiers: Orphanet 661, MedGen C5562075, MONDO:0800026, OMIM 209880.

Submissions (2):

St. Jude Molecular Pathology, St. Jude Children's Research Hospital
Classification: Uncertain significance for Central hypoventilation syndrome, congenital, 1, with or without Hirschsprung disease. Last evaluated: 2026-10-01. Review status: criteria provided, single submitter. Criteria: St. Jude Assertion Criteria 2020. Collection method: clinical testing. Allele origin: germline.
Comment: The PHOX2B c.71C>T p.(Ser24Leu) missense change is absent in gnomAD v2.1.1. The in silico tool REVEL is inconclusive about a pathogenic or benign effect of this variant on protein function, and to our knowledge functional studies have not been performed. To our know ledge, this variant has not been reported in individuals with PHOX2B-related disease. In summary, the evidence currently available is insufficient to determine the clinical significance of this variant. It has therefore been classified as of uncertain significance.

Ambry Genetics
Classification: Uncertain significance for Hereditary cancer-predisposing syndrome. Last evaluated: 2026-07-07. Review status: criteria provided, single submitter. Criteria: Ambry Variant Classification Scheme 2023. Collection method: clinical testing. Allele origin: germline.
Comment: The p.S24L variant (also known as c.71C>T), located in coding exon 1 of the PHOX2B gene, results from a C to T substitution at nucleotide position 71. The serine at codon 24 is replaced by leucine, an amino acid with dissimilar properties. This amino acid position is conserved. In addition, this alteration is predicted to be deleterious by in silico analysis. Based on the available evidence, the clinical significance of this variant remains unclear.